The following is an entry in ClinVar:

NM_000051.4(ATM):c.4741del (p.Ile1581fs)

Gene: ATM (ATM serine/threonine kinase; plus strand). Cytogenetic location: 11q22.3.
Variant type: Deletion.
Coding change: c.4741del on transcript NM_000051.4 (MANE Select); coding-DNA position 4741, one base deleted (A; older notation c.4741delA).
Protein change: p.Ile1581fs; shifts the reading frame from isoleucine 1581.
Molecular consequence: frameshift variant.
Genome position (GRCh38, 1-based): chr11:108,293,442, A deleted; the last of 6 consecutive A bases (chr11:108,293,437-108,293,442); deleting any one gives the same sequence. VCF-style (leftmost placement, unchanged base first): chr11-108293436-CA-C. GRCh37 (hg19) VCF-style: chr11-108164163-CA-C.
Other names: c.4741del, p.Ile1581fs (NM_001351834.2); short protein forms I1581fs.
Identifiers: ClinVar variation 1210357 (VCV001210357.4), dbSNP rs864622164, ClinGen allele CA645569713.

ClinVar aggregate classification (germline): Pathogenic/Likely pathogenic. Review status: criteria provided, multiple submitters, no conflicts (2 of 4 stars). 2 submissions from 2 submitters: Pathogenic (1); Likely pathogenic (1). Last evaluated 2024-01-29.

Conditions:
Familial cancer of breast. Also called: BREAST CANCER, FAMILIAL; Hereditary breast cancer; hereditary breast carcinoma. Identifiers: Orphanet 227535, MedGen C0346153, MONDO:0016419, OMIM 114480. Disease mechanism: loss of function.
Ataxia-telangiectasia syndrome (AT). Also called: LOUIS-BAR SYNDROME; Ataxia telangiectasia (A-T); Cerebello-oculocutaneous telangiectasia; Immunodeficiency with ataxia telangiectasia; Ataxia-telangiectasia, complementation group E; Ataxia-telangiectasia, complementation group D. Identifiers: Orphanet 100, MedGen C0004135, MONDO:0008840, OMIM 208900.

Submissions (2):

Myriad Genetics, Inc.
Classification: Pathogenic for Familial cancer of breast. Last evaluated: 2024-01-29. Review status: criteria provided, single submitter. Criteria: Myriad Autosomal Dominant, Autosomal Recessive and X-Linked Classification Criteria (2023). Collection method: clinical testing. Allele origin: unknown.
Comment: This variant is considered pathogenic. This variant creates a frameshift predicted to result in premature protein truncation.

Genome-Nilou Lab
Classification: Likely pathogenic for Ataxia-telangiectasia syndrome. Last evaluated: 2021-07-22. Review status: criteria provided, single submitter. Criteria: ACMG Guidelines, 2015. Collection method: clinical testing. Allele origin: germline. Affected: no.